The following is an entry in ClinVar:

NM_000264.5(PTCH1):c.86G>A (p.Gly29Glu)

Genes: PTCH1 (patched 1; minus strand), LOC130002133 (ATAC-STARR-seq lymphoblastoid silent region 20071; plus strand). Cytogenetic location: 9q22.32.
Variant type: single nucleotide variant.
Coding change: c.86G>A on transcript NM_000264.5 (MANE Select); coding-DNA position 86, G replaced by A.
Protein change: p.Gly29Glu; replaces glycine 29 with glutamic acid.
Molecular consequence: missense variant. On other transcripts: non-coding transcript variant (1), intron variant (3).
Genome position (GRCh38, 1-based): chr9:95,508,276, C>T on the plus strand (G>A on the coding strand, the complement: PTCH1 is on the minus strand). VCF-style: chr9-95508276-C-T. GRCh37 (hg19) VCF-style: chr9-98270558-C-T.
Other names: c.86G>A, p.Gly29Glu (NM_001354918.2); c.199-1677G>A (NM_001083603.3); c.4-1677G>A (NM_001083602.3, NM_001354919.2); short protein forms G29E.
Identifiers: ClinVar variation 1345339 (VCV001345339.8), dbSNP rs2118909005, ClinGen allele CA374121452.

ClinVar aggregate classification (germline): Uncertain significance (1 of 4 stars; one submission).

Conditions:
Gorlin syndrome. Also called: Basal cell nevus syndrome; Nevoid Basal Cell Carcinoma Syndrome. Identifiers: Orphanet 377, MedGen C0004779, MONDO:0007187.

Submission:

Labcorp Genetics (formerly Invitae), Labcorp
Classification: Uncertain significance for Gorlin syndrome. Last evaluated: 2024-12-12. Review status: criteria provided, single submitter. Criteria: Invitae Variant Classification Sherloc (09022015). Collection method: clinical testing. Allele origin: germline.
Comment: This sequence change replaces glycine, which is neutral and non-polar, with glutamic acid, which is acidic and polar, at codon 29 of the PTCH1 protein (p.Gly29Glu). This variant is not present in population databases (gnomAD no frequency). This variant has not been reported in the literature in individuals affected with PTCH1-related conditions. ClinVar contains an entry for this variant (Variation ID: 1345339). Invitae Evidence Modeling of protein sequence and biophysical properties (such as structural, functional, and spatial information, amino acid conservation, physicochemical variation, residue mobility, and thermodynamic stability) indicates that this missense variant is not expected to disrupt PTCH1 protein function with a negative predictive value of 95%. In summary, the available evidence is currently insufficient to determine the role of this variant in disease. Therefore, it has been classified as a Variant of Uncertain Significance.